The following is an entry in ClinVar:

ClinVar aggregate classification (germline): Likely pathogenic (1 of 4 stars; one submission).

Conditions:
Rare neuromuscular disorders.

Submission:

North West Genomic Laboratory Hub, Manchester University NHS Foundation Trust
Classification: Likely pathogenic for Rare neuromuscular disorders. Last evaluated: 2025-07-22. Review status: criteria provided, single submitter. Criteria: ACGS Best Practice Guidelines for Variant Classification in Rare Disease 2024. Collection method: clinical testing. Allele origin: germline. Affected: yes.
Comment: PM2_Mod PP3_Supp PS4_Supp PM1_Supp PP4_Mod

NM_004006.3(DMD):c.667C>T (p.Pro223Ser)

Gene: DMD (dystrophin; minus strand). Cytogenetic location: Xp21.1.
Variant type: single nucleotide variant.
Coding change: c.667C>T on transcript NM_004006.3 (MANE Select); coding-DNA position 667, C replaced by T.
Protein change: p.Pro223Ser; replaces proline 223 with serine.
Molecular consequence: missense variant.
Genome position (GRCh38, 1-based): chrX:32,699,276, G>A on the plus strand (C>T on the coding strand, the complement: DMD is on the minus strand). VCF-style: chrX-32699276-G-A. GRCh37 (hg19) VCF-style: chrX-32717393-G-A.
Other names: c.643C>T, p.Pro215Ser (NM_000109.4); c.655C>T, p.Pro219Ser (NM_004009.3); c.298C>T, p.Pro100Ser (NM_004010.3); short protein forms P100S, P215S, P219S, P223S.
Identifiers: ClinVar variation 4886884 (VCV004886884.1).
Genomic context (GRCh38, chrX:32,699,276, plus strand): 5'-CTTGTTGAGGCAAAACTTGGAAGAGTGATGTGATGTACATTAAGATGGACTTCTTATCTG[G>A]ATAGGTGGTATCAACATCTGTAAGCACATTAACACTACACATCAATTTTTGGTTTCTATA-3'
Protein context (NP_003997.2, residues 213-233): LDPEDVDTTY[Pro223Ser]DKKSILMYIT